The following is an entry in ClinVar:

ClinVar aggregate classification (germline): Uncertain significance. Review status: criteria provided, multiple submitters, no conflicts (2 of 4 stars). 3 submissions from 3 submitters: Uncertain significance (3). Last evaluated 2025-10-30.

Conditions:
Hereditary cancer-predisposing syndrome. Also called: Hereditary Cancer Syndrome; Neoplastic Syndromes, Hereditary; Hereditary neoplastic syndrome; Tumor predisposition. Identifiers: Orphanet 140162, MedGen C0027672, MeSH D009386, MONDO:0015356.
Gastrointestinal stromal tumor. Also called: Gastrointestinal stroma tumor; Gastrointestinal stromal tumor, somatic. Identifiers: Orphanet 44890, MedGen C0238198, MeSH D046152, MONDO:0011719, OMIM 606764, HP:0100723.

Allele frequency attached by ClinVar (database versions not stated): TOPMed below 0.00001.

Submissions (3):

Ambry Genetics
Classification: Uncertain significance for Hereditary cancer-predisposing syndrome. Last evaluated: 2025-10-30. Review status: criteria provided, single submitter. Criteria: Ambry Variant Classification Scheme 2023. Collection method: clinical testing. Allele origin: germline.
Comment: The p.L156F variant (also known as c.466C>T), located in coding exon 3 of the KIT gene, results from a C to T substitution at nucleotide position 466. The leucine at codon 156 is replaced by phenylalanine, an amino acid with highly similar properties. This amino acid position is conserved. In addition, this alteration is predicted to be tolerated by in silico analysis. Based on the available evidence, the clinical significance of this variant remains unclear.

Labcorp Genetics (formerly Invitae), Labcorp
Classification: Uncertain significance for Gastrointestinal stromal tumor. Last evaluated: 2024-12-23. Review status: criteria provided, single submitter. Criteria: Invitae Variant Classification Sherloc (09022015). Collection method: clinical testing. Allele origin: germline.
Comment: This sequence change replaces leucine, which is neutral and non-polar, with phenylalanine, which is neutral and non-polar, at codon 156 of the KIT protein (p.Leu156Phe). This variant is not present in population databases (gnomAD no frequency). This variant has not been reported in the literature in individuals affected with KIT-related conditions. ClinVar contains an entry for this variant (Variation ID: 846692). An algorithm developed to predict the effect of missense changes on protein structure and function outputs the following: PolyPhen-2: "Benign". The phenylalanine amino acid residue is found in multiple mammalian species, which suggests that this missense change does not adversely affect protein function. In summary, the available evidence is currently insufficient to determine the role of this variant in disease. Therefore, it has been classified as a Variant of Uncertain Significance.

Blueprint Genetics
Classification: Uncertain significance. Last evaluated: 2022-11-01. Review status: criteria provided, single submitter. Criteria: ACMG Guidelines, 2015. Collection method: clinical testing. Allele origin: germline.

NM_000222.3(KIT):c.466C>T (p.Leu156Phe)

Gene: KIT (KIT proto-oncogene, receptor tyrosine kinase; plus strand). Cytogenetic location: 4q12.
Variant type: single nucleotide variant.
Coding change: c.466C>T on transcript NM_000222.3 (MANE Select); coding-DNA position 466, C replaced by T.
Protein change: p.Leu156Phe; replaces leucine 156 with phenylalanine.
Molecular consequence: missense variant.
Genome position (GRCh38, 1-based): chr4:54,698,412, C>T. VCF-style: chr4-54698412-C-T. GRCh37 (hg19) VCF-style: chr4-55564578-C-T.
Other names: c.466C>T, p.Leu156Phe (NM_001093772.2, NM_001385284.1, NM_001385285.1 and 4 more transcripts); short protein forms L156F.
Identifiers: ClinVar variation 846692 (VCV000846692.11), dbSNP rs878853767, ClinGen allele CA356897647.
Genomic context (GRCh38, chr4:54,698,412, plus strand): 5'-TGTCCTCTCACAGACCCAGAAGTGACCAATTATTCCCTCAAGGGGTGCCAGGGGAAGCCT[C>T]TTCCCAAGGACTTGAGGTTTATTCCTGACCCCAAGGCGGGCATCATGATCAAAAGTGTGA-3'
Protein context (NP_000213.1, residues 146-166): YSLKGCQGKP[Leu156Phe]PKDLRFIPDP